The following is an entry in ClinVar:

NM_005618.4(DLL1):c.507G>A (p.Thr169=)

Gene: DLL1 (delta like canonical Notch ligand 1; minus strand). Cytogenetic location: 6q27.
Variant type: single nucleotide variant.
Coding change: c.507G>A on transcript NM_005618.4 (MANE Select); coding-DNA position 507, G replaced by A.
Protein change: p.Thr169=; no amino-acid change (threonine 169 retained).
Molecular consequence: synonymous variant.
Genome position (GRCh38, 1-based): chr6:170,288,402, C>T on the plus strand (G>A on the coding strand, the complement: DLL1 is on the minus strand). VCF-style: chr6-170288402-C-T. GRCh37 (hg19) VCF-style: chr6-170597490-C-T.
Identifiers: ClinVar variation 749608 (VCV000749608.42), dbSNP rs200138835, ClinGen allele CA4107116.

ClinVar aggregate classification (germline): Likely benign. Review status: criteria provided, multiple submitters, no conflicts (2 of 4 stars). 3 submissions from 3 submitters: Likely benign (2). 1 of the submissions does not count toward it. Last evaluated 2026-03-01.

Conditions:
DLL1-related disorder. Also called: DLL1-related condition.

Allele frequency attached by ClinVar (database versions not stated): 1000 Genomes Project 0.00020; gnomAD exomes 0.00021 and 0.00018; 1000 Genomes Project 30x 0.00031; ESP Exome Variant Server 0.00008; TOPMed 0.00010; gnomAD 0.00013; ExAC 0.00015.
gnomAD v4.1: 319 of 1,614,068 alleles (0.02%); highest among the groups gnomAD compares: Middle Eastern, 0.082%; 1 homozygote.

Submissions (3):

CeGaT Center for Human Genetics Tuebingen
Classification: Likely benign. Last evaluated: 2026-03-01. Review status: criteria provided, single submitter. Criteria: CeGaT Center For Human Genetics Tuebingen Variant Classification Criteria Version 2. Collection method: clinical testing. Allele origin: germline. Affected: yes. Observed: 5 variant alleles.
Comment: DLL1: BP4, BP7

Labcorp Genetics (formerly Invitae), Labcorp
Classification: Likely benign. Last evaluated: 2025-12-02. Review status: criteria provided, single submitter. Criteria: Invitae Variant Classification Sherloc (09022015). Collection method: clinical testing. Allele origin: germline.

PreventionGenetics, part of Exact Sciences
Classification: Likely benign for DLL1-related condition. Last evaluated: 2019-03-01. Review status: no assertion criteria provided. Collection method: clinical testing. Allele origin: germline. Not counted in ClinVar's aggregate classification.
Comment: This variant is classified as likely benign based on ACMG/AMP sequence variant interpretation guidelines (Richards et al. 2015 PMID: 25741868, with internal and published modifications).